The following is an entry in ClinVar:

ClinVar aggregate classification (germline): Uncertain significance (1 of 4 stars; one submission).

Conditions:
Hereditary cancer-predisposing syndrome. Also called: Neoplastic Syndromes, Hereditary; Tumor predisposition; Hereditary Cancer Syndrome; Hereditary neoplastic syndrome. Identifiers: Orphanet 140162, MedGen C0027672, MeSH D009386, MONDO:0015356.

Submission:

Ambry Genetics
Classification: Uncertain significance for Hereditary cancer-predisposing syndrome. Last evaluated: 2026-05-13. Review status: criteria provided, single submitter. Criteria: Ambry Variant Classification Scheme 2023. Collection method: clinical testing. Allele origin: germline.
Comment: The p.I1145M variant (also known as c.3435C>G), located in coding exon 28 of the POLE gene, results from a C to G substitution at nucleotide position 3435. The isoleucine at codon 1145 is replaced by methionine, an amino acid with highly similar properties. This amino acid position is highly conserved in available vertebrate species. In addition, the in silico prediction for this alteration is inconclusive. Based on the available evidence, the clinical significance of this variant remains unclear.

NM_006231.4(POLE):c.3435C>G (p.Ile1145Met)

Gene: POLE (DNA polymerase epsilon, catalytic subunit; minus strand). Cytogenetic location: 12q24.33.
Variant type: single nucleotide variant.
Coding change: c.3435C>G on transcript NM_006231.4 (MANE Select); coding-DNA position 3435, C replaced by G.
Protein change: p.Ile1145Met; replaces isoleucine 1145 with methionine.
Molecular consequence: missense variant.
Genome position (GRCh38, 1-based): chr12:132,657,373, G>C on the plus strand (C>G on the coding strand, the complement: POLE is on the minus strand). VCF-style: chr12-132657373-G-C. GRCh37 (hg19) VCF-style: chr12-133233959-G-C.
Other names: short protein forms I1145M.
Identifiers: ClinVar variation 4862223 (VCV004862223.1).
Genomic context (GRCh38, chr12:132,657,373, plus strand): 5'-TAGCCCCACAGCCCGTGCCACTGACCCCGCCCTTACCTGCTGCAGGGCCGCAGGGATGGT[G>C]ATGATCTTCTGGATGGCGCTTCCCAGCCGCTCAATGTAGTAGTCCCAATCCAGAATCTGC-3'
Protein context (NP_006222.2, residues 1135-1155): ERLGSAIQKI[Ile1145Met]TIPAALQQVK